The following is an entry in ClinVar:

ClinVar aggregate classification (germline): Likely benign. Review status: criteria provided, multiple submitters, no conflicts (2 of 4 stars). 3 submissions from 3 submitters: Likely benign (3). Last evaluated 2023-09-17.

Conditions:
Cardiomyopathy (CMYO). Also called: Cardiomyopathies. Identifiers: Orphanet 167848, MedGen C0878544, MONDO:0004994, HP:0001638. Inheritance: Various modes of inheritance.
Catecholaminergic polymorphic ventricular tachycardia (CVPT). Also called: Catecholamine-induced polymorphic ventricular tachycardia. Identifiers: Orphanet 3286, MedGen C5574922, MONDO:0017990.
Catecholaminergic polymorphic ventricular tachycardia 1. Also called: VENTRICULAR TACHYCARDIA, CATECHOLAMINERGIC POLYMORPHIC, 1, WITH OR WITHOUT ATRIAL DYSFUNCTION AND/OR DILATED CARDIOMYOPATHY; VENTRICULAR TACHYCARDIA, STRESS-INDUCED POLYMORPHIC 1; RYR2-Related Catecholaminergic Polymorphic Ventricular Tachycardia. Identifiers: Orphanet 3286, MedGen C1631597, MONDO:0011484, OMIM 604772.

Submissions (3):

All of Us Research Program, National Institutes of Health
Classification: Likely benign for Catecholaminergic polymorphic ventricular tachycardia. Last evaluated: 2023-09-17. Review status: criteria provided, single submitter. Criteria: ACMG Guidelines, 2015. Collection method: clinical testing. Allele origin: germline. Inheritance: Autosomal dominant inheritance. Observed: 1 variant allele, 1 heterozygote.
Comment: This study involves interpretation of variants in research participants for the purpose of population health screening. Participant phenotype was not available at the time of variant classification. Additional details can be found in publication PMID: 35346344, PMCID: PMC8962531

Color Diagnostics, LLC DBA Color Health
Classification: Likely benign for Cardiomyopathy. Last evaluated: 2023-09-13. Review status: criteria provided, single submitter. Criteria: ACMG Guidelines, 2015. Collection method: clinical testing. Allele origin: germline.

Labcorp Genetics (formerly Invitae), Labcorp
Classification: Likely benign for Catecholaminergic polymorphic ventricular tachycardia 1. Last evaluated: 2023-06-14. Review status: criteria provided, single submitter. Criteria: Invitae Variant Classification Sherloc (09022015). Collection method: clinical testing. Allele origin: germline.

NM_001035.3(RYR2):c.3585T>C (p.Phe1195=)

Gene: RYR2 (ryanodine receptor 2; plus strand). Cytogenetic location: 1q43.
Variant type: single nucleotide variant.
Coding change: c.3585T>C on transcript NM_001035.3 (MANE Select); coding-DNA position 3585, T replaced by C.
Protein change: p.Phe1195=; no amino-acid change (phenylalanine 1195 retained).
Molecular consequence: synonymous variant.
Genome position (GRCh38, 1-based): chr1:237,569,306, T>C. VCF-style: chr1-237569306-T-C. GRCh37 (hg19) VCF-style: chr1-237732606-T-C.
Identifiers: ClinVar variation 2713560 (VCV002713560.5), dbSNP rs2546448524, ClinGen allele CA423818186.